The following is an entry in ClinVar:

ClinVar aggregate classification (germline): Likely benign (0 of 4 stars; one submission).

Conditions:
SEMA6B-related disorder. Also called: SEMA6B-related condition.

Allele frequency attached by ClinVar (database versions not stated): 1000 Genomes Project 30x 0.00094; ESP Exome Variant Server 0.00108; 1000 Genomes Project 0.00120; TOPMed 0.00123.
gnomAD v4.1: 348 of 1,579,914 alleles (0.022%); highest among the groups gnomAD compares: African/African-American, 0.4%; no homozygotes.

Submission:

PreventionGenetics, part of Exact Sciences
Classification: Likely benign for SEMA6B-related condition. Last evaluated: 2019-05-07. Review status: no assertion criteria provided. Collection method: clinical testing. Allele origin: germline.
Comment: This variant is classified as likely benign based on ACMG/AMP sequence variant interpretation guidelines (Richards et al. 2015 PMID: 25741868, with internal and published modifications).

NM_032108.4(SEMA6B):c.1644C>T (p.Pro548=)

Gene: SEMA6B (semaphorin 6B; minus strand). Cytogenetic location: 19p13.3.
Variant type: single nucleotide variant.
Coding change: c.1644C>T on transcript NM_032108.4 (MANE Select); coding-DNA position 1644, C replaced by T.
Protein change: p.Pro548=; no amino-acid change (proline 548 retained).
Molecular consequence: synonymous variant.
Genome position (GRCh38, 1-based): chr19:4,546,427, G>A on the plus strand (C>T on the coding strand, the complement: SEMA6B is on the minus strand). VCF-style: chr19-4546427-G-A. GRCh37 (hg19) VCF-style: chr19-4546439-G-A.
Identifiers: ClinVar variation 3038213 (VCV003038213.2), dbSNP rs145677334, ClinGen allele CA9102395.